The following is an entry in ClinVar:

ClinVar aggregate classification (germline): Uncertain significance (1 of 4 stars; one submission).

Submission:

Labcorp Genetics (formerly Invitae), Labcorp
Classification: Uncertain significance. Last evaluated: 2024-10-23. Review status: criteria provided, single submitter. Criteria: Invitae Variant Classification Sherloc (09022015). Collection method: clinical testing. Allele origin: germline.
Comment: This sequence change affects codon 100 of the SLC24A5 mRNA. It is a 'silent' change, meaning that it does not change the encoded amino acid sequence of the SLC24A5 protein. It affects a nucleotide within the consensus splice site. This variant is not present in population databases (gnomAD no frequency). This variant has not been reported in the literature in individuals affected with SLC24A5-related conditions. ClinVar contains an entry for this variant (Variation ID: 2018928). Algorithms developed to predict the effect of sequence changes on RNA splicing suggest that this variant may disrupt the consensus splice site. In summary, the available evidence is currently insufficient to determine the role of this variant in disease. Therefore, it has been classified as a Variant of Uncertain Significance.

NM_205850.3(SLC24A5):c.300A>G (p.Glu100=)

Gene: SLC24A5 (solute carrier family 24 member 5; plus strand). Cytogenetic location: 15q21.1.
Variant type: single nucleotide variant.
Coding change: c.300A>G on transcript NM_205850.3 (MANE Select); coding-DNA position 300, A replaced by G.
Protein change: p.Glu100=; no amino-acid change (glutamic acid 100 retained).
Molecular consequence: synonymous variant.
Genome position (GRCh38, 1-based): chr15:48,122,035, A>G. VCF-style: chr15-48122035-A-G. GRCh37 (hg19) VCF-style: chr15-48414232-A-G.
Identifiers: ClinVar variation 2018928 (VCV002018928.4), dbSNP rs2504569730, ClinGen allele CA490314648.